The following is an entry in ClinVar:

ClinVar aggregate classification (germline): Likely pathogenic (0 of 4 stars; one submission).

Conditions:
Neurodevelopmental disorder with hypotonia and variable intellectual and behavioral abnormalities. Identifiers: MedGen C5231423, MONDO:0032829, OMIM 618603.

Submission:

Human Genome Sequencing Center Clinical Lab, Baylor College of Medicine
Classification: Likely pathogenic for Neurodevelopmental disorder with hypotonia and variable intellectual and behavioral abnormalities. Last evaluated: 2020-05-08. Review status: no assertion criteria provided. Collection method: research. Allele origin: de novo. Affected: yes. Observed: 1 variant allele.
Comment: Pathogenicity supported by functional studies

NM_000937.5(POLR2A):c.1314_1319del (p.His439_Leu440del)

Gene: POLR2A (RNA polymerase II subunit A; plus strand). Cytogenetic location: 17p13.1.
Variant type: Deletion.
Coding change: c.1314_1319del on transcript NM_000937.5 (MANE Select); coding-DNA positions 1314 to 1319, 6 bases deleted (TCACCT; older notation c.1314_1319delTCACCT).
Protein change: p.His439_Leu440del.
Molecular consequence: inframe deletion.
Genome position (GRCh38, 1-based): chr17:7,498,189-7,498,194, TCACCT deleted; deleting any 6 consecutive bases within chr17:7,498,185-7,498,194 gives the same sequence; the c. name uses the placement nearest the transcript's 3' end. VCF-style (leftmost placement, unchanged base first): chr17-7498184-GACCTTC-G. GRCh37 (hg19) VCF-style: chr17-7401503-GACCTTC-G.
Identifiers: ClinVar variation 873135 (VCV000873135.1), dbSNP rs2070546216, ClinGen allele CA1139665165.